The following is an entry in ClinVar:

ClinVar aggregate classification (germline): Pathogenic (1 of 4 stars; one submission).

Conditions:
Glycogen storage disease IXb (GSD9B). Also called: GLYCOGENOSIS OF LIVER AND MUSCLE, AUTOSOMAL RECESSIVE; GSD IXb; PHOSPHORYLASE KINASE DEFICIENCY OF LIVER AND MUSCLE, AUTOSOMAL RECESSIVE. Identifiers: Orphanet 79240, MedGen C0543514, MONDO:0009868, OMIM 261750.

Allele frequency attached by ClinVar (database versions not stated): ExAC 0.00001; gnomAD exomes 0.00001.

Submission:

Labcorp Genetics (formerly Invitae), Labcorp
Classification: Pathogenic for Glycogen storage disease IXb. Last evaluated: 2023-07-12. Review status: criteria provided, single submitter. Criteria: Invitae Variant Classification Sherloc (09022015). Collection method: clinical testing. Allele origin: germline.
Comment: For these reasons, this variant has been classified as Pathogenic. This variant has not been reported in the literature in individuals affected with PHKB-related conditions. This variant is present in population databases (rs781603142, gnomAD 0.007%). This sequence change creates a premature translational stop signal (p.Leu778Phefs*19) in the PHKB gene. It is expected to result in an absent or disrupted protein product. Loss-of-function variants in PHKB are known to be pathogenic (PMID: 9215682, 9326319).

Literature cited by the submitters: PubMed 9215682; PubMed 9326319.

NM_000293.3(PHKB):c.2332del (p.Leu778fs)

Gene: PHKB (phosphorylase kinase regulatory subunit beta; plus strand). Cytogenetic location: 16q12.1.
Variant type: Deletion.
Coding change: c.2332del on transcript NM_000293.3 (MANE Select); coding-DNA position 2332, one base deleted (C; older notation c.2332delC).
Protein change: p.Leu778fs; shifts the reading frame from leucine 778.
Molecular consequence: frameshift variant.
Genome position (GRCh38, 1-based): chr16:47,663,730, C deleted. VCF-style (leftmost placement, unchanged base first): chr16-47663729-AC-A. GRCh37 (hg19) VCF-style: chr16-47697640-AC-A.
Other names: c.2311del, p.Leu771fs (NM_001031835.3); c.2332del, p.Leu778fs (NM_001363837.1); short protein forms L771fs, L778fs.
Identifiers: ClinVar variation 2721383 (VCV002721383.3), dbSNP rs781603142, ClinGen allele CA8041149.